The following is an entry in ClinVar:

NM_000037.4(ANK1):c.3229G>C (p.Gly1077Arg)

Gene: ANK1 (ankyrin 1; minus strand). Cytogenetic location: 8p11.21.
Variant type: single nucleotide variant.
Coding change: c.3229G>C on transcript NM_000037.4 (MANE Select); coding-DNA position 3229, G replaced by C.
Protein change: p.Gly1077Arg; replaces glycine 1077 with arginine.
Molecular consequence: missense variant.
Genome position (GRCh38, 1-based): chr8:41,694,690, C>G on the plus strand (G>C on the coding strand, the complement: ANK1 is on the minus strand). VCF-style: chr8-41694690-C-G. GRCh37 (hg19) VCF-style: chr8-41552208-C-G.
Other names: p.Gly1077Arg; c.3352G>C, p.Gly1118Arg (NM_001142446.2); c.3229G>C, p.Gly1077Arg (NM_020475.3, NM_020476.3, NM_020477.3); c.3229G>C (NM_000037.3); short protein forms G1077R, G1118R.
Identifiers: ClinVar variation 810942 (VCV000810942.13), dbSNP rs200263785, ClinGen allele CA4727937.

ClinVar aggregate classification (germline): Uncertain significance. Review status: criteria provided, multiple submitters, no conflicts (2 of 4 stars). 5 submissions from 5 submitters: Uncertain significance (5). Last evaluated 2025-07-16.

Conditions:
Hereditary spherocytosis type 1. Also called: ANK1-Related Spherocytosis; Spherocytosis type 1. Identifiers: Orphanet 822, MedGen C2674218, MONDO:0008447, OMIM 182900.
Inborn genetic diseases. Identifiers: MedGen C0950123, MeSH D030342.

Allele frequency attached by ClinVar (database versions not stated): TOPMed 0.00013; gnomAD 0.00022; ESP Exome Variant Server 0.00023.

Submissions (5):

Labcorp Genetics (formerly Invitae), Labcorp
Classification: Uncertain significance. Last evaluated: 2025-07-16. Review status: criteria provided, single submitter. Criteria: Invitae Variant Classification Sherloc (09022015). Collection method: clinical testing. Allele origin: germline.
Comment: This sequence change replaces glycine, which is neutral and non-polar, with arginine, which is basic and polar, at codon 1077 of the ANK1 protein (p.Gly1077Arg). This variant is present in population databases (rs200263785, gnomAD 0.04%). This variant has not been reported in the literature in individuals affected with ANK1-related conditions. ClinVar contains an entry for this variant (Variation ID: 810942). Invitae Evidence Modeling of protein sequence and biophysical properties (such as structural, functional, and spatial information, amino acid conservation, physicochemical variation, residue mobility, and thermodynamic stability) has been performed for this missense variant. However, the output from this modeling did not meet the statistical confidence thresholds required to predict the impact of this variant on ANK1 protein function. In summary, the available evidence is currently insufficient to determine the role of this variant in disease. Therefore, it has been classified as a Variant of Uncertain Significance.

Mayo Clinic Laboratories, Mayo Clinic
Classification: Uncertain significance. Last evaluated: 2024-06-04. Review status: criteria provided, single submitter. Criteria: ACMG Guidelines, 2015. Collection method: clinical testing. Allele origin: germline. Observed: 1 variant allele.

Revvity Omics, Revvity
Classification: Uncertain significance for Hereditary spherocytosis type 1. Last evaluated: 2023-09-06. Review status: criteria provided, single submitter. Criteria: ACMG Guidelines, 2015. Collection method: clinical testing. Allele origin: germline.

Ambry Genetics
Classification: Uncertain significance for Inborn genetic diseases. Last evaluated: 2022-06-10. Review status: criteria provided, single submitter. Criteria: Ambry Variant Classification Scheme 2023. Collection method: clinical testing. Allele origin: germline.

ARUP Laboratories, Molecular Genetics and Genomics, ARUP Laboratories
Classification: Uncertain significance for Hereditary spherocytosis type 1. Last evaluated: 2018-09-26. Review status: criteria provided, single submitter. Criteria: ARUP Molecular Germline Variant Investigation Process. Collection method: clinical testing. Allele origin: germline.

Literature cited by the submitters: PubMed 36468602 (cited by Mayo Clinic Laboratories, Mayo Clinic).